The following is an entry in ClinVar:

ClinVar aggregate classification (germline): Uncertain significance (1 of 4 stars; one submission).

Conditions:
Ehlers-Danlos syndrome, classic type, 1 (EDSCL1). Also called: EHLERS-DANLOS SYNDROME, GRAVIS TYPE; EHLERS-DANLOS SYNDROME, SEVERE CLASSIC TYPE; Ehlers-Danlos syndrome, type 1; Ehlers-Danlos Syndrome, Classic Type, COL5A1-Related; EDS I. Identifiers: MedGen C0268335, MONDO:0019567, OMIM 130000.

gnomAD v4.1: 2 of 1,613,322 alleles (0.00012%); highest among the groups gnomAD compares: Non-Finnish European, 0.00017%; no homozygotes.

Submission:

Labcorp Genetics (formerly Invitae), Labcorp
Classification: Uncertain significance for Ehlers-Danlos syndrome, classic type, 1. Last evaluated: 2025-09-21. Review status: criteria provided, single submitter. Criteria: Invitae Variant Classification Sherloc (09022015). Collection method: clinical testing. Allele origin: germline.
Comment: This sequence change replaces tyrosine, which is neutral and polar, with phenylalanine, which is neutral and non-polar, at codon 875 of the COL5A1 protein (p.Tyr875Phe). This variant is present in population databases (rs765490478, gnomAD 0.0009%). This variant has not been reported in the literature in individuals affected with COL5A1-related conditions. Invitae Evidence Modeling of protein sequence and biophysical properties (such as structural, functional, and spatial information, amino acid conservation, physicochemical variation, residue mobility, and thermodynamic stability) has been performed for this missense variant. However, the output from this modeling did not meet the statistical confidence thresholds required to predict the impact of this variant on COL5A1 protein function. In summary, the available evidence is currently insufficient to determine the role of this variant in disease. Therefore, it has been classified as a Variant of Uncertain Significance.

NM_000093.5(COL5A1):c.2624A>T (p.Tyr875Phe)

Gene: COL5A1 (collagen type V alpha 1 chain; plus strand). Cytogenetic location: 9q34.3.
Variant type: single nucleotide variant.
Coding change: c.2624A>T on transcript NM_000093.5 (MANE Select); coding-DNA position 2624, A replaced by T.
Protein change: p.Tyr875Phe; replaces tyrosine 875 with phenylalanine.
Molecular consequence: missense variant.
Genome position (GRCh38, 1-based): chr9:134,786,026, A>T. VCF-style: chr9-134786026-A-T. GRCh37 (hg19) VCF-style: chr9-137677872-A-T.
Other names: c.2624A>T, p.Tyr875Phe (NM_001278074.1); short protein forms Y875F.
Identifiers: ClinVar variation 4738413 (VCV004738413.1).